The following is an entry in ClinVar:

ClinVar aggregate classification (germline): Uncertain significance (1 of 4 stars; one submission).

Submission:

Labcorp Genetics (formerly Invitae), Labcorp
Classification: Uncertain significance. Last evaluated: 2022-11-08. Review status: criteria provided, single submitter. Criteria: Invitae Variant Classification Sherloc (09022015). Collection method: clinical testing. Allele origin: germline.
Comment: In summary, the available evidence is currently insufficient to determine the role of this variant in disease. Therefore, it has been classified as a Variant of Uncertain Significance. Variants that disrupt the consensus splice site are a relatively common cause of aberrant splicing (PMID: 17576681, 9536098). Algorithms developed to predict the effect of sequence changes on RNA splicing suggest that this variant may disrupt the consensus splice site. ClinVar contains an entry for this variant (Variation ID: 1460534). This variant has not been reported in the literature in individuals affected with PRPF3-related conditions. This variant is not present in population databases (gnomAD no frequency). This sequence change falls in intron 10 of the PRPF3 gene. It does not directly change the encoded amino acid sequence of the PRPF3 protein. It affects a nucleotide within the consensus splice site.

Literature cited by the submitters: PubMed 17576681; PubMed 9536098.

NM_004698.4(PRPF3):c.1426+3G>T

Gene: PRPF3 (pre-mRNA processing factor 3; plus strand). Cytogenetic location: 1q21.2.
Variant type: single nucleotide variant.
Coding change: c.1426+3G>T on transcript NM_004698.4 (MANE Select); 3 bases into the intron after coding-DNA position 1426, G replaced by T.
Molecular consequence: intron variant.
Genome position (GRCh38, 1-based): chr1:150,343,455, G>T. VCF-style: chr1-150343455-G-T. GRCh37 (hg19) VCF-style: chr1-150315931-G-T.
Other names: c.1021+3G>T (NM_001350529.1).
Identifiers: ClinVar variation 1460534 (VCV001460534.6), dbSNP rs2102010164, ClinGen allele CA2573130989.
Genomic context (GRCh38, chr1:150,343,455, plus strand): 5'-CAGAAGGAACTACAAGAAAAAGTCAGGCTGGGCCTGATGCCTCCTCCAGAACCCAAAGGT[G>T]CATTTCTCAGTGGCCTCTTCTGTTAAAAAGAGTGGCAAGTTTATGTCTTTAATCCTGGAG-3'